The following is an entry in ClinVar:

ClinVar aggregate classification (germline): Likely pathogenic (1 of 4 stars; one submission).

Submission:

GeneDx
Classification: Likely pathogenic. Last evaluated: 2024-07-18. Review status: criteria provided, single submitter. Criteria: GeneDx Variant Classification Process June 2021. Collection method: clinical testing. Allele origin: germline. Affected: yes.
Comment: Nonsense variant predicted to result in protein truncation or nonsense mediated decay in a gene for which loss of function is a known mechanism of disease; Not observed at significant frequency in large population cohorts (gnomAD); Has not been previously published as pathogenic or benign to our knowledge

NM_001143981.2(CHRDL1):c.446C>A (p.Ser149Ter)

Gene: CHRDL1 (chordin like 1; minus strand). Cytogenetic location: Xq23.
Variant type: single nucleotide variant.
Coding change: c.446C>A on transcript NM_001143981.2 (MANE Select); coding-DNA position 446, C replaced by A.
Protein change: p.Ser149Ter; replaces serine 149 with a stop codon.
Molecular consequence: nonsense. On other transcripts: non-coding transcript variant (1), intron variant (1).
Genome position (GRCh38, 1-based): chrX:110,721,386, G>T on the plus strand (C>A on the coding strand, the complement: CHRDL1 is on the minus strand). VCF-style: chrX-110721386-G-T. GRCh37 (hg19) VCF-style: chrX-109964614-G-T.
Other names: c.443C>A, p.Ser148Ter (NM_001143982.2, NM_001367207.1, NM_145234.4); c.446C>A, p.Ser149Ter (NM_001367204.1, NM_001367205.1, NM_001367206.1 and 2 more transcripts); c.302-20665C>A (NM_001143983.3); short protein forms S148*, S149*.
Identifiers: ClinVar variation 3573702 (VCV003573702.1).